The following is an entry in ClinVar:

NM_004655.4(AXIN2):c.1986G>T (p.Leu662=)

Gene: AXIN2 (axin 2; minus strand). Cytogenetic location: 17q24.1.
Variant type: single nucleotide variant.
Coding change: c.1986G>T on transcript NM_004655.4 (MANE Select); coding-DNA position 1986, G replaced by T.
Protein change: p.Leu662=; no amino-acid change (leucine 662 retained).
Molecular consequence: synonymous variant.
Genome position (GRCh38, 1-based): chr17:65,536,475, C>A on the plus strand (G>T on the coding strand, the complement: AXIN2 is on the minus strand). VCF-style: chr17-65536475-C-A. GRCh37 (hg19) VCF-style: chr17-63532593-C-A.
Other names: c.1791G>T, p.Leu597= (NM_001363813.1).
Identifiers: ClinVar variation 1528002 (VCV001528002.11), dbSNP rs1057520705, ClinGen allele CA501690972.
Genomic context (GRCh38, chr17:65,536,475, plus strand): 5'-GTCCTGGGTGAACAGGTGGGCACGGGGGGTGGTGCGGGGGTGCCCGCTGTTGCCCCCCCA[C>A]AGATGGTGCCGGCTGGCTCGTTCGCCTGGAGACGAGCGGGCAGACTCCAAGGGGTAGGCC-3'
Protein context (NP_004646.3, residues 652-672): SPGERASRHH[Leu662=]WGGNSGHPRT

ClinVar aggregate classification (germline): Benign/Likely benign. Review status: criteria provided, multiple submitters, no conflicts (2 of 4 stars). 3 submissions from 3 submitters: Benign (1); Likely benign (2). Last evaluated 2024-07-09.

Conditions:
Hereditary cancer-predisposing syndrome. Also called: Neoplastic Syndromes, Hereditary; Hereditary Cancer Syndrome; Tumor predisposition; Hereditary neoplastic syndrome. Identifiers: Orphanet 140162, MedGen C0027672, MeSH D009386, MONDO:0015356.
Oligodontia-cancer predisposition syndrome. Also called: TOOTH AGENESIS-COLORECTAL CANCER SYNDROME. Identifiers: Orphanet 300576, MedGen C1837750, MONDO:0012075, OMIM 608615. Disease mechanism: loss of function.

gnomAD v4.1: 1 of 1,613,906 alleles (0.000062%); highest among the groups gnomAD compares: Non-Finnish European, 0.000085%; no homozygotes.

Submissions (3):

Myriad Genetics, Inc.
Classification: Benign for Oligodontia-cancer predisposition syndrome. Last evaluated: 2024-07-09. Review status: criteria provided, single submitter. Criteria: Myriad Autosomal Dominant, Autosomal Recessive and X-Linked Classification Criteria (2023). Collection method: clinical testing. Allele origin: unknown.
Comment: This variant is considered benign. This variant is a silent/synonymous amino acid change and it is not expected to impact splicing.

Ambry Genetics
Classification: Likely benign for Hereditary cancer-predisposing syndrome. Last evaluated: 2021-03-31. Review status: criteria provided, single submitter. Criteria: Ambry Variant Classification Scheme 2023. Collection method: clinical testing. Allele origin: germline.

Labcorp Genetics (formerly Invitae), Labcorp
Classification: Likely benign for Oligodontia-cancer predisposition syndrome. Last evaluated: 2021-01-29. Review status: criteria provided, single submitter. Criteria: Invitae Variant Classification Sherloc (09022015). Collection method: clinical testing. Allele origin: germline.